The following is an entry in ClinVar:

ClinVar aggregate classification (germline): Benign/Likely benign. Review status: criteria provided, multiple submitters, no conflicts (2 of 4 stars). 10 submissions from 10 submitters: Benign (2); Likely benign (6). 2 of the submissions do not count toward it. Last evaluated 2026-01-19.

Conditions:
Inborn genetic diseases. Identifiers: MedGen C0950123, MeSH D030342.
Finnish type amyloidosis. Also called: Lattice corneal dystrophy associated with familial systemic amyloidosis; Meretoja's syndrome; Lattice dystrophy of the cornea with hereditary generalized amyloidosis; Amyloidosis, familial, Finnish type; Meretoja type amyloidosis; Amyloidosis 5. Identifiers: Orphanet 85448, MedGen C1622345, MONDO:0007097, OMIM 105120.

Allele frequency attached by ClinVar (database versions not stated): ESP Exome Variant Server 0.00261; 1000 Genomes Project 0.00280; gnomAD 0.00292 and 0.00302; 1000 Genomes Project 30x 0.00312; TOPMed 0.00374.
gnomAD v4.1: 1,337 of 1,613,996 alleles (0.083%); highest among the groups gnomAD compares: East Asian, 1.1%; 8 homozygotes.

Submissions (10):

Labcorp Genetics (formerly Invitae), Labcorp
Classification: Benign. Last evaluated: 2026-01-19. Review status: criteria provided, single submitter. Criteria: Invitae Variant Classification Sherloc (09022015). Collection method: clinical testing. Allele origin: germline.

Mayo Clinic Laboratories, Mayo Clinic
Classification: Likely benign. Last evaluated: 2025-09-18. Review status: criteria provided, single submitter. Criteria: ACMG Guidelines, 2015. Collection method: clinical testing. Allele origin: germline. Observed: 3 variant alleles.
Comment: BS1, BP4, BP7

Blueprint Genetics
Classification: Likely benign. Last evaluated: 2024-11-01. Review status: criteria provided, single submitter. Criteria: ACMG Guidelines, 2015. Collection method: clinical testing. Allele origin: germline.

Genetic Services Laboratory, University of Chicago
Classification: Likely benign. Last evaluated: 2021-07-19. Review status: criteria provided, single submitter. Criteria: ACMG Guidelines, 2015. Collection method: clinical testing. Allele origin: germline. Affected: no.

Fulgent Genetics
Classification: Likely benign for Finnish type amyloidosis. Last evaluated: 2021-07-16. Review status: criteria provided, single submitter. Criteria: ACMG Guidelines, 2015. Collection method: clinical testing. Allele origin: unknown.

Ambry Genetics
Classification: Likely benign for Inborn genetic diseases. Last evaluated: 2019-07-11. Review status: criteria provided, single submitter. Criteria: Ambry Variant Classification Scheme 2023. Collection method: clinical testing. Allele origin: germline.

Illumina Laboratory Services, Illumina
Classification: Benign for Finnish type amyloidosis. Last evaluated: 2018-01-13. Review status: criteria provided, single submitter. Criteria: ICSL Variant Classification Criteria 13 December 2019. Collection method: clinical testing. Allele origin: germline.
Comment: This variant was observed in the ICSL laboratory as part of a predisposition screen in an ostensibly healthy population. It had not been previously curated by ICSL or reported in the Human Gene Mutation Database (HGMD: prior to June 1st, 2018), and was therefore a candidate for classification through an automated scoring system. Utilizing variant allele frequency, disease prevalence and penetrance estimates, and inheritance mode, an automated score was calculated to assess if this variant is too frequent to cause the disease. Based on the score and internal cut-off values, a variant classified as benign is not then subjected to further curation. The score for this variant resulted in a classification of benign for this disease.

Breakthrough Genomics
Classification: Likely benign. Review status: criteria provided, single submitter. Criteria: ACMG Guidelines, 2015. Collection method: not provided. Allele origin: germline. Inheritance: Autosomal dominant inheritance. Affected: yes.

Clinical Genetics DNA and cytogenetics Diagnostics Lab, Erasmus MC, Erasmus Medical Center
Classification: Likely benign. Review status: no assertion criteria provided. Collection method: clinical testing. Allele origin: germline. Affected: yes. Study: VKGL Data-share Consensus. Not counted in ClinVar's aggregate classification.

Laboratory of Diagnostic Genome Analysis, Leiden University Medical Center (LUMC)
Classification: Likely benign. Review status: no assertion criteria provided. Collection method: clinical testing. Allele origin: germline. Affected: yes. Study: VKGL Data-share Consensus. Not counted in ClinVar's aggregate classification.

NM_198252.3(GSN):c.243C>T (p.Thr81=)

Gene: GSN (gelsolin; plus strand). Cytogenetic location: 9q33.2.
Variant type: single nucleotide variant.
Coding change: c.243C>T on transcript NM_198252.3 (MANE Select); coding-DNA position 243, C replaced by T.
Protein change: p.Thr81=; no amino-acid change (threonine 81 retained).
Molecular consequence: synonymous variant. On other transcripts: 5 prime UTR variant (1).
Genome position (GRCh38, 1-based): chr9:121,302,957, C>T. VCF-style: chr9-121302957-C-T. GRCh37 (hg19) VCF-style: chr9-124065235-C-T.
Other names: p.Thr132=; c.396C>T, p.Thr132= (NM_000177.5); c.243C>T, p.Thr81= (NM_001127662.2, NM_001127664.2, NM_001127665.2 and 10 more transcripts); c.351C>T, p.Thr117= (NM_001127663.2); c.276C>T, p.Thr92= (NM_001127666.2, NM_001127667.2, NM_001353063.2 and 13 more transcripts); c.294C>T, p.Thr98= (NM_001258029.2); c.267C>T, p.Thr89= (NM_001258030.2); c.315C>T, p.Thr105= (NM_001353076.2); and 1 more.
Identifiers: ClinVar variation 364801 (VCV000364801.25), dbSNP rs116956127, ClinGen allele CA5220815.